The following is an entry in ClinVar:

NM_001005388.3(NFASC):c.2887A>G (p.Ile963Val)

Gene: NFASC (neurofascin; plus strand). Cytogenetic location: 1q32.1.
Variant type: single nucleotide variant.
Coding change: c.2887A>G on transcript NM_001005388.3 (MANE Select); coding-DNA position 2887, A replaced by G.
Protein change: p.Ile963Val; replaces isoleucine 963 with valine.
Molecular consequence: missense variant. On other transcripts: intron variant (4).
Genome position (GRCh38, 1-based): chr1:204,997,274, A>G. VCF-style: chr1-204997274-A-G. GRCh37 (hg19) VCF-style: chr1-204966402-A-G.
Other names: c.3208A>G, p.Ile1070Val (NM_001378329.1); c.3091+5968A>G (NM_001160332.2); c.3076+8468A>G (NM_015090.4); c.2755+8468A>G (NM_001365986.1); c.3136+5968A>G (NM_001160331.2); short protein forms I1070V, I963V.
Identifiers: ClinVar variation 3037519 (VCV003037519.2), dbSNP rs7545613, ClinGen allele CA1350545.
Genomic context (GRCh38, chr1:204,997,274, plus strand): 5'-GTGAGCAGTACCGATGCTACTGCCATTGCTGCCACCACCGAAGCCACAACAGTCCCCATC[A>G]TCCCAACTGTCGCACCTACCACCATCGCCACCACCACCACCGTCGCCACAACTACTACAA-3'
Protein context (NP_001005388.2, residues 953-973): ATTEATTVPI[Ile963Val]PTVAPTTIAT

ClinVar aggregate classification (germline): Benign (0 of 4 stars; one submission).

Conditions:
NFASC-related disorder. Also called: NFASC-related condition.

Allele frequency attached by ClinVar (database versions not stated): gnomAD exomes 0.00484; ExAC 0.01607; gnomAD 0.04944; ESP Exome Variant Server 0.05311; 1000 Genomes Project 0.05312; TOPMed 0.05549; 1000 Genomes Project 30x 0.05949.
gnomAD v4.1: 14,825 of 1,612,616 alleles (0.92%); highest among the groups gnomAD compares: African/African-American, 17%; 1,135 homozygotes.

Submission:

PreventionGenetics, part of Exact Sciences
Classification: Benign for NFASC-related condition. Last evaluated: 2019-11-11. Review status: no assertion criteria provided. Collection method: clinical testing. Allele origin: germline.
Comment: This variant is classified as benign based on ACMG/AMP sequence variant interpretation guidelines (Richards et al. 2015 PMID: 25741868, with internal and published modifications).